The following is an entry in ClinVar:

NM_001130965.3(SUN1):c.682C>T (p.Arg228Cys)

Gene: SUN1 (Sad1 and UNC84 domain containing 1; plus strand). Cytogenetic location: 7p22.3.
Variant type: single nucleotide variant.
Coding change: c.682C>T on transcript NM_001130965.3 (MANE Select); coding-DNA position 682, C replaced by T.
Protein change: p.Arg228Cys; replaces arginine 228 with cysteine.
Molecular consequence: missense variant. On other transcripts: non-coding transcript variant (3), intron variant (12), synonymous variant (1).
Genome position (GRCh38, 1-based): chr7:851,407, C>T. VCF-style: chr7-851407-C-T. GRCh37 (hg19) VCF-style: chr7-891044-C-T.
Other names: c.877C>T, p.Arg293Cys (NM_001367643.1, NM_001367697.1, NM_001367693.1); c.616C>T, p.Arg206Cys (NM_001367644.1, NM_001367680.1, NM_001367701.1); c.643C>T, p.Arg215Cys (NM_001367645.1, NM_001367679.1, NM_001367667.1 and 1 more transcripts); c.814C>T, p.Arg272Cys (NM_001367646.1, NM_001367673.1, NM_001367706.1); c.727C>T, p.Arg243Cys (NM_001367647.1, NM_001367649.1, NM_001367668.1); c.1096C>T, p.Arg366Cys (NM_001367651.1); c.682C>T, p.Arg228Cys (NM_001367653.1, NM_001367672.1, NM_001367694.1 and 3 more transcripts); c.925C>T, p.Arg309Cys (NM_001367655.1, NM_001367636.1, NM_001367666.1 and 1 more transcripts); and 25 more; short protein forms A11V, R178C, R202C, R206C, R215C, R228C, R237C, R243C.
Identifiers: ClinVar variation 1005753 (VCV001005753.9), dbSNP rs772936422, ClinGen allele CA4111879.
Genomic context (GRCh38, chr7:851,407, plus strand): 5'-GCGTCTGTCTGAGGCCACACACGTCTTCCCTGCACAGGTTACTTCTTGCTGCAGATTCTG[C>T]GCAGGATCGGAGCTGTGGGCCAGGCTGTGTCCAGGACGGCGTGGTCGGCCCTTTGGCTGG-3'
Protein context (NP_001124437.1, residues 218-238): QKCYFLLQIL[Arg228Cys]RIGAVGQAVS

ClinVar aggregate classification (germline): Uncertain significance. Review status: criteria provided, multiple submitters, no conflicts (2 of 4 stars). 2 submissions from 2 submitters: Uncertain significance (2). Last evaluated 2025-10-24.

Conditions:
Emery-Dreifuss muscular dystrophy (EDMD). Also called: Scapuloperoneal syndrome, X-linked (formerly); Humeroperoneal neuromuscular disease, (formerly). Identifiers: Orphanet 261, MedGen C0410189, MONDO:0016830.

Allele frequency attached by ClinVar (database versions not stated): gnomAD 0.00001; TOPMed 0.00002; gnomAD exomes 0.00010; ExAC 0.00016.
gnomAD v4.1: 107 of 1,607,500 alleles (0.0067%); highest among the groups gnomAD compares: South Asian, 0.052%; 1 homozygote.

Submissions (2):

Labcorp Genetics (formerly Invitae), Labcorp
Classification: Uncertain significance for Emery-Dreifuss muscular dystrophy. Last evaluated: 2025-10-24. Review status: criteria provided, single submitter. Criteria: Invitae Variant Classification Sherloc (09022015). Collection method: clinical testing. Allele origin: germline.
Comment: This sequence change replaces arginine, which is basic and polar, with cysteine, which is neutral and slightly polar, at codon 228 of the SUN1 protein (p.Arg228Cys). This variant is present in population databases (rs772936422, gnomAD 0.06%), and has an allele count higher than expected for a pathogenic variant. This variant has not been reported in the literature in individuals affected with SUN1-related conditions. ClinVar contains an entry for this variant (Variation ID: 1005753). An algorithm developed to predict the effect of missense changes on protein structure and function (PolyPhen-2) suggests that this variant is likely to be tolerated. In summary, the available evidence is currently insufficient to determine the role of this variant in disease. Therefore, it has been classified as a Variant of Uncertain Significance.

Ambry Genetics
Classification: Uncertain significance. Last evaluated: 2025-09-26. Review status: criteria provided, single submitter. Criteria: Ambry Variant Classification Scheme 2023. Collection method: clinical testing. Allele origin: germline.